The following is an entry in ClinVar:

ClinVar aggregate classification (germline): Likely benign. Review status: criteria provided, single submitter (1 of 4 stars). 2 submissions from 2 submitters: Likely benign (1). 1 of the submissions does not count toward it. Last evaluated 2026-01-03.

Conditions:
Autosomal recessive polycystic kidney disease (ARPKD). Also called: AR polycystic kidney disease. Identifiers: Orphanet 731, Orphanet 8378, MedGen C0085548, MeSH D017044, MONDO:0009889.
Polycystic kidney disease. Also called: Polycystic kidney dysplasia; Kidney, Polycystic. Identifiers: MedGen C0022680, MeSH D007690, MONDO:0020642, HP:0000113.

Allele frequency attached by ClinVar (database versions not stated): gnomAD 0.00001; ExAC 0.00002; gnomAD exomes 0.00002 and 0.00004; TOPMed 0.00003.
gnomAD v4.1: 35 of 1,602,966 alleles (0.0022%); highest among the groups gnomAD compares: Admixed American, 0.005%; no homozygotes.

Submissions (2):

Labcorp Genetics (formerly Invitae), Labcorp
Classification: Likely benign for Autosomal recessive polycystic kidney disease. Last evaluated: 2026-01-03. Review status: criteria provided, single submitter. Criteria: Invitae Variant Classification Sherloc (09022015). Collection method: clinical testing. Allele origin: germline.

Department of Pathology and Laboratory Medicine, Sinai Health System
Classification: Uncertain significance for Polycystic Kidney disease. Review status: no assertion criteria provided. Collection method: clinical testing. Allele origin: unknown. Affected: yes. Study: The Canadian Open Genetics Repository (COGR). Not counted in ClinVar's aggregate classification.
Comment: The PKHD1 c.3561-11A>G variant was not identified in the literature nor was it identified in the ClinVar, LOVD 3.0 and RWTH AAachen University ARPKD database. The variant was also identified in dbSNP (ID: rs774114631) as â€šÃ„ÃºNAâ€šÃ„Ã¹. The variant was identified in control databases in 9 of 277066 chromosomes at a frequency of 0.000032 (Genome Aggregation Database Feb 27, 2017). Breakdown of the observations by population include Latino in 2 of 34410 chromosomes (freq: 0.00006), European Non-Finnish in 4 of 126612 chromosomes (freq: 0.000032), and South Asian in 3 of 30778 chromosomes (freq: 0.0001). While the variant was not observed in the African, other, Ashkenazi Jewish, East Asian, European Finnish, populations. The c.3561-11A>G variant is located in the 3' splice region but does not affect the invariant -1 and -2 positions. However, positions -3 and -5 to -12 are part of the splicing consensus sequence and variants involving these positions sometimes affect splicing. In addition in silico or computational prediction software programs (SpliceSiteFinder, MaxEntScan, NNSPLICE, GeneSplicer, HumanSpliceFinder) do not predict a difference in splicing. In summary, based on the above information the clinical significance of this variant cannot be determined with certainty at this time. This variant is classified as a variant of uncertain significance.

NM_138694.4(PKHD1):c.3561-11A>G

Gene: PKHD1 (PKHD1 ciliary IPT domain containing fibrocystin/polyductin; minus strand). Cytogenetic location: 6p12.2.
Variant type: single nucleotide variant.
Coding change: c.3561-11A>G on transcript NM_138694.4 (MANE Select); 11 bases into the intron before coding-DNA position 3561, A replaced by G.
Molecular consequence: intron variant.
Genome position (GRCh38, 1-based): chr6:52,027,907, T>C on the plus strand (A>G on the coding strand, the complement: PKHD1 is on the minus strand). VCF-style: chr6-52027907-T-C. GRCh37 (hg19) VCF-style: chr6-51892705-T-C.
Other names: c.3561-11A>G (NM_170724.3).
Identifiers: ClinVar variation 997248 (VCV000997248.6), dbSNP rs774114631, ClinGen allele CA3852898.
Genomic context (GRCh38, chr6:52,027,907, plus strand): 5'-AAGGCTCGATGCTGAAAACTTCTGTGAGGTACTGGATGTGGAGATCAACCCTACAGAAGA[T>C]AGGCAGATGTTTAGGAAATAACTGACAGAGAGAGATAAGAAAGAGTAAGCCAGAAGAGCC-3'